The following is an entry in ClinVar:

NM_001330078.2(NRXN1):c.3370A>C (p.Thr1124Pro)

Gene: NRXN1 (neurexin 1; minus strand). Cytogenetic location: 2p16.3.
Variant type: single nucleotide variant.
Coding change: c.3370A>C on transcript NM_001330078.2 (MANE Select); coding-DNA position 3370, A replaced by C.
Protein change: p.Thr1124Pro; replaces threonine 1124 with proline.
Molecular consequence: missense variant.
Genome position (GRCh38, 1-based): chr2:50,236,965, T>G on the plus strand (A>C on the coding strand, the complement: NRXN1 is on the minus strand). VCF-style: chr2-50236965-T-G. GRCh37 (hg19) VCF-style: chr2-50464103-T-G.
Other names: c.3490A>C, p.Thr1164Pro (NM_001135659.3); c.3346A>C, p.Thr1116Pro (NM_001330077.2, NM_001330082.2); c.3304A>C, p.Thr1102Pro (NM_001330083.2, NM_001330084.2); c.3343A>C, p.Thr1115Pro (NM_001330085.2); c.3370A>C, p.Thr1124Pro (NM_001330086.2, NM_004801.6); c.3259A>C, p.Thr1087Pro (NM_001330087.2, NM_001330096.2); c.3289A>C, p.Thr1097Pro (NM_001330088.2); c.265A>C, p.Thr89Pro (NM_001330091.2, NM_001330092.2, NM_001330097.2 and 1 more transcripts); and 3 more; short protein forms T1102P, T1123P, T89P, T1107P, T1115P, T1120P, T1087P, T1097P.
Identifiers: ClinVar variation 3641596 (VCV003641596.2).

ClinVar aggregate classification (germline): Uncertain significance (1 of 4 stars; one submission).

Conditions:
Pitt-Hopkins-like syndrome 2 (PTHSL2). Identifiers: Orphanet 221150, Orphanet 600663, MedGen C3280479, MONDO:0013690, OMIM 614325.

Submission:

Labcorp Genetics (formerly Invitae), Labcorp
Classification: Uncertain significance for Pitt-Hopkins-like syndrome 2. Last evaluated: 2024-02-17. Review status: criteria provided, single submitter. Criteria: Invitae Variant Classification Sherloc (09022015). Collection method: clinical testing. Allele origin: germline.
Comment: This sequence change replaces threonine, which is neutral and polar, with proline, which is neutral and non-polar, at codon 1164 of the NRXN1 protein (p.Thr1164Pro). This variant is not present in population databases (gnomAD no frequency). This variant has not been reported in the literature in individuals affected with NRXN1-related conditions. Advanced modeling of protein sequence and biophysical properties (such as structural, functional, and spatial information, amino acid conservation, physicochemical variation, residue mobility, and thermodynamic stability) performed at Invitae indicates that this missense variant is not expected to disrupt NRXN1 protein function with a negative predictive value of 80%. In summary, the available evidence is currently insufficient to determine the role of this variant in disease. Therefore, it has been classified as a Variant of Uncertain Significance.